The following is an entry in ClinVar:

ClinVar aggregate classification (germline): Conflicting classifications of pathogenicity. Review status: criteria provided, conflicting classifications (1 of 4 stars). 2 submissions from 2 submitters: Pathogenic (1); Uncertain significance (1). Last evaluated 2026-05-22.

Conditions:
Chromosome 2q32-q33 deletion syndrome (GLASS). Also called: Glass syndrome; 2q33.1 deletion syndrome. Identifiers: Orphanet 251019, MedGen C2676739, MONDO:0012864, OMIM 612313.
SATB2 associated disorder. Identifiers: Orphanet 576278, MedGen CN294806, MONDO:0100147.

Submissions (2):

Kasturba Medical College, Manipal, Kasturba Medical College, Manipal, Manipal Academy of Higher Education, Manipal, India
Classification: Uncertain significance for Chromosome 2q32-q33 deletion syndrome. Last evaluated: 2026-05-22. Review status: criteria provided, single submitter. Criteria: ACMG Guidelines, 2015. Collection method: research. Allele origin: unknown. Inheritance: Autosomal dominant inheritance. Affected: yes. Observed: 1 variant allele, 1 heterozygote.
Comment: The father’s sample is not available. This variant is absent in gnomAD (v4.1.0) population database and our inhouse exome data of 4037 individuals. This variant is reported in ClinVar as pathogenic (VCV003062110.1) by a single submitter. This variant is located in a highly conserved HOX domain (Sheehan et al, 2010).

Illumina Laboratory Services, Illumina
Classification: Pathogenic for SATB2 associated disorder. Last evaluated: 2019-06-25. Review status: criteria provided, single submitter. Criteria: ICSLVariantClassificationCriteria RUGD 01 April 2020. Collection method: clinical testing. Allele origin: unknown.
Comment: The SATB2 c.1979_1981delTCA p.(Ile660del) variant results in an inframe deletion. To our knowledge, this variant has not been reported in the peer-reviewed literature. This variant is not observed in version 2.1.1 or version 4.0.0 of the Genome Aggregation Database. This variant is located in a highly conserved HOX domain (Sheehan-Rooney et al. 2010). Based on the available evidence, the c.1979_1981delTCA p.(Ile660del) variant is classified as pathogenic for SATB2-associated disorder.

Literature cited by the submitters: PubMed 21089028 (cited by Kasturba Medical College, Manipal, Kasturba Medical College, Manipal, Manipal Academy of Higher Education, Manipal, India).

NM_001172509.2(SATB2):c.1976TCA[1] (p.Ile660del)

Genes: SATB2 (SATB homeobox 2; minus strand), LOC126806462 (MED14-independent group 3 enhancer GRCh37_chr2:200136608-200137807; plus strand). Cytogenetic location: 2q33.1.
Variant type: Microsatellite.
Coding change: c.1976TCA[1] on transcript NM_001172509.2 (MANE Select); one copy of the 3-base unit TCA starting at c.1976; the reference has two copies in a row; one copy, 3 bases deleted; also written c.1979_1981del.
Protein change: p.Ile660del; deletes isoleucine 660.
Molecular consequence: inframe deletion.
Genome position (GRCh38, 1-based): chr2:199,272,432-199,272,434, TGA deleted on the plus strand (TCA on the coding strand, the reverse complement: SATB2 is on the minus strand); deleting any 3 consecutive bases within chr2:199,272,432-199,272,439 gives the same sequence; the position shown is the placement nearest the transcript's 3' end. VCF-style (leftmost placement, unchanged base first): chr2-199272431-TTGA-T. GRCh37 (hg19) VCF-style: chr2-200137154-TTGA-T.
Other names: c.1976TCA[1], p.Ile660del (NM_001172517.1, NM_015265.4); c.1979_1981del (NM_001172509.2); short protein forms I660del.
Identifiers: ClinVar variation 3062110 (VCV003062110.2), dbSNP rs2468783250, ClinGen allele CA2740096406.